The following is an entry in ClinVar:

NM_001077365.2(POMT1):c.699+14_699+17dup

Gene: POMT1 (protein O-mannosyltransferase 1; plus strand). Cytogenetic location: 9q34.13.
Variant type: Duplication.
Coding change: c.699+14_699+17dup on transcript NM_001077365.2 (MANE Select); bases 14 to 17 of the intron after coding-DNA position 699, 4 bases duplicated (TCCA; older notation c.699+14_699+17dupTCCA).
Molecular consequence: intron variant. On other transcripts: frameshift variant (7), non-coding transcript variant (1).
Genome position (GRCh38, 1-based): chr9:131,510,010-131,510,013, TCCA duplicated. VCF-style (leftmost placement, unchanged base first): chr9-131510009-G-GTCCA. GRCh37 (hg19) VCF-style: chr9-134385396-G-GTCCA.
Other names: c.713_716dup, p.Gln239fs (NM_001353193.2, NM_007171.4); c.551_554dup, p.Gln185fs (NM_001353197.2, NM_001353198.2, NM_001374689.1); c.362_365dup, p.Gln122fs (NM_001353199.2); c.257_260dup, p.Gln87fs (NM_001374695.1); c.699+14_699+17dup (NM_001136113.2, NM_001374690.1); c.537+14_537+17dup (NM_001353194.2, NM_001077366.2, NM_001374693.1); c.348+14_348+17dup (NM_001374691.1, NM_001353195.2, NM_001374692.1 and 1 more transcripts); c.609+14_609+17dup (NM_001353196.2); and 2 more; short protein forms Q122fs, Q185fs, Q239fs, Q87fs.
Identifiers: ClinVar variation 2678008 (VCV002678008.2), dbSNP rs2539137589, ClinGen allele CA2695199416.

ClinVar aggregate classification (germline): Uncertain significance (1 of 4 stars; one submission).

Conditions:
Muscular dystrophy-dystroglycanopathy (congenital with brain and eye anomalies), type A1 (MDDGA1). Also called: COD-MD SYNDROME; Muscular dystrophy-dystroglycanopathy (congenital with brain and eye anomalies), type A, 1; Pagon syndrome; Cerebroocular dysgenesis; Cerebroocular dysplasia muscular dystrophy syndrome; WALKER-WARBURG SYNDROME OR MUSCLE-EYE-BRAIN DISEASE, POMT1-RELATED. Identifiers: Orphanet 588, Orphanet 899, MedGen C4284790, MONDO:0009364, OMIM 236670.

Submission:

Baylor Genetics
Classification: Uncertain significance for Muscular dystrophy-dystroglycanopathy (congenital with brain and eye anomalies), type A1. Last evaluated: 2025-04-11. Review status: criteria provided, single submitter. Criteria: ACMG Guidelines, 2015. Collection method: clinical testing. Allele origin: unknown.
Comment: Classified VUS because we curate POMT1 exon 8 variants with regard to MANE isoform NM_001077365.2, not NM_007171.4. Splicing algorithms agree with MANE, showing that the natural splicing site is expected to be after c.699. And this conclusion is strengthened by the benign nature of NM_007171.4(POMT1):c.751C>T(p.Gln251Ter) which is also known as NM_001077365.2(POMT1):c.699+52C>T in ClinVar 95466.